The following is an entry in ClinVar:

ClinVar aggregate classification (germline): Uncertain significance (1 of 4 stars; one submission).

Allele frequency attached by ClinVar (database versions not stated): ExAC 0.00006; TOPMed 0.00012; gnomAD 0.00013 and 0.00014.

Submission:

Labcorp Genetics (formerly Invitae), Labcorp
Classification: Uncertain significance. Last evaluated: 2024-10-15. Review status: criteria provided, single submitter. Criteria: Invitae Variant Classification Sherloc (09022015). Collection method: clinical testing. Allele origin: germline.
Comment: This sequence change replaces alanine, which is neutral and non-polar, with serine, which is neutral and polar, at codon 502 of the PAX1 protein (p.Ala502Ser). This variant is present in population databases (no rsID available, gnomAD 0.04%). This variant has not been reported in the literature in individuals affected with PAX1-related conditions. ClinVar contains an entry for this variant (Variation ID: 1463963). An algorithm developed to predict the effect of missense changes on protein structure and function (PolyPhen-2) suggests that this variant¬†is likely to be tolerated. In summary, the available evidence is currently insufficient to determine the role of this variant in disease. Therefore, it has been classified as a Variant of Uncertain Significance.

NM_001257096.2(PAX1):c.*140G>T

Gene: PAX1 (paired box 1; plus strand). Cytogenetic location: 20p11.22.
Variant type: single nucleotide variant.
Coding change: c.*140G>T on transcript NM_001257096.2 (MANE Select); 140 bases downstream of the stop codon, G replaced by T.
Molecular consequence: 3 prime UTR variant. On other transcripts: missense variant (1).
Genome position (GRCh38, 1-based): chr20:21,714,702, G>T. VCF-style: chr20-21714702-G-T. GRCh37 (hg19) VCF-style: chr20-21695340-G-T.
Other names: c.1504G>T, p.Ala502Ser (NM_006192.5); short protein forms A502S.
Identifiers: ClinVar variation 1463963 (VCV001463963.5), dbSNP rs867079240, ClinGen allele CA9786811.